The following is an entry in ClinVar:

NM_013450.4(BAZ2B):c.475A>G (p.Lys159Glu)

Gene: BAZ2B (bromodomain adjacent to zinc finger domain 2B; minus strand). Cytogenetic location: 2q24.2.
Variant type: single nucleotide variant.
Coding change: c.475A>G on transcript NM_013450.4 (MANE Select); coding-DNA position 475, A replaced by G.
Protein change: p.Lys159Glu; replaces lysine 159 with glutamic acid.
Molecular consequence: missense variant.
Genome position (GRCh38, 1-based): chr2:159,448,269, T>C on the plus strand (A>G on the coding strand, the complement: BAZ2B is on the minus strand). VCF-style: chr2-159448269-T-C. GRCh37 (hg19) VCF-style: chr2-160304780-T-C.
Other names: c.469A>G, p.Lys157Glu (NM_001289975.1); c.286A>G, p.Lys96Glu (NM_001329857.2); c.475A>G, p.Lys159Glu (NM_001329858.2); short protein forms K96E, K157E, K159E.
Identifiers: ClinVar variation 2206598 (VCV002206598.2), dbSNP rs2074545040, ClinGen allele CA348939469.
Genomic context (GRCh38, chr2:159,448,269, plus strand): 5'-TTTATAGTACTTCACTTATGTAAATGTGGATACCTTTTTCGGGACCATTTCGATTACTTT[T>C]TCCCGAAGTCCTTGAATGGAATGAAGAAGAATCATGATTCTGGGCTGGGGGAGCAAATAG-3'
Protein context (NP_038478.2, residues 149-169): SSSFHSRTSG[Lys159Glu]SNRNGPEKGV

ClinVar aggregate classification (germline): Uncertain significance (1 of 4 stars; one submission).

Conditions:
Inborn genetic diseases. Identifiers: MedGen C0950123, MeSH D030342.

Allele frequency attached by ClinVar (database versions not stated): TOPMed below 0.00001; gnomAD exomes 0.00001.
gnomAD v4.1: 10 of 1,612,816 alleles (0.00062%); highest among the groups gnomAD compares: Middle Eastern, 0.17%; no homozygotes.

Submission:

Ambry Genetics
Classification: Uncertain significance for Inborn genetic diseases. Last evaluated: 2022-10-04. Review status: criteria provided, single submitter. Criteria: Ambry Variant Classification Scheme 2023. Collection method: clinical testing. Allele origin: germline.
Comment: The c.475A>G (p.K159E) alteration is located in exon 5 (coding exon 3) of the BAZ2B gene. This alteration results from an A to G substitution at nucleotide position 475, causing the lysine (K) at amino acid position 159 to be replaced by a glutamic acid (E). This variant was not reported in population-based cohorts in the Genome Aggregation Database (gnomAD). This amino acid position is highly conserved in available vertebrate species. This alteration is predicted to be tolerated by in silico analysis. Based on insufficient or conflicting evidence, the clinical significance of this alteration remains unclear.